The following is an entry in ClinVar:

NM_001128425.2(MUTYH):c.158-5CA[3]

Gene: MUTYH (mutY DNA glycosylase; minus strand). Cytogenetic location: 1p34.1.
Variant type: Microsatellite.
Coding change: c.158-5CA[3] on transcript NM_001128425.2 (MANE Plus Clinical); three copies in a row of the 2-base unit CA starting at c.158-5; the reference has two copies in a row; one copy, 2 bases duplicated.
Molecular consequence: splice acceptor variant. On other transcripts: intron variant (28), 5 prime UTR variant (1).
Genome position (GRCh38, 1-based): chr1:45,333,605-45,333,606, TG duplicated on the plus strand (CA on the coding strand, the reverse complement: MUTYH is on the minus strand); duplicating any 2 consecutive bases within chr1:45,333,605-45,333,608 gives the same sequence; the position shown is the placement nearest the transcript's 3' end. VCF-style (leftmost placement, unchanged base first): chr1-45333604-C-CTG. GRCh37 (hg19) VCF-style: chr1-45799276-C-CTG.
Other names: c.158-14CA[3] (NM_012222.3, NM_001407069.1); c.116-47CA[3] (NM_001407070.1, NM_001407080.1, NM_001048173.2 and 7 more transcripts); c.116-44CA[3] (NM_001407071.1, NM_001407079.1, NM_001048172.2 and 2 more transcripts); c.-92-111CA[3] (NM_001407082.1, NM_001350651.2); c.-97-111CA[3] (NM_001293196.2, NM_001407091.1, NM_001293192.2); c.116-14CA[3] (NM_001407077.1, NM_001293191.2); c.116-5CA[3] (NM_001407083.1, NM_001407085.1); c.134-44CA[3] (NM_001407087.1); and 4 more.
Identifiers: ClinVar variation 3073637 (VCV003073637.1), dbSNP rs2524293455, ClinGen allele CA2825000974.
Genomic context (GRCh38, chr1:45,333,604, plus strand): 5'-CCGGCTGCCTGGCCAGGCCTGCTGGGGCCCCAGGACACTCAGCAATCATCCCTGCACAGG[C>CTG]TGTGCATCAGGGTCTTGGGACACAGCAGCCTGTGGCAGTATGCTCCCACTTAGGGCTTCC-3'

ClinVar aggregate classification (germline): Uncertain significance (1 of 4 stars; one submission).

Conditions:
Familial adenomatous polyposis 2. Also called: COLORECTAL ADENOMATOUS POLYPOSIS, AUTOSOMAL RECESSIVE; ADENOMAS, MULTIPLE COLORECTAL, AUTOSOMAL RECESSIVE; MYH-associated polyposis; MUTYH-associated polyposis; MUTYH-related attenuated familial adenomatous polyposis; MUTYH Polyposis. Identifiers: Orphanet 220460, Orphanet 247798, MedGen C3272841, MONDO:0012041, OMIM 608456.

Submission:

All of Us Research Program, National Institutes of Health
Classification: Uncertain significance for Familial adenomatous polyposis 2. Last evaluated: 2023-10-02. Review status: criteria provided, single submitter. Criteria: ACMG Guidelines, 2015. Collection method: clinical testing. Allele origin: germline. Inheritance: Autosomal recessive inheritance. Observed: 1 variant allele, 1 heterozygote.
Comment: This study involves interpretation of variants in research participants for the purpose of population health screening. Participant phenotype was not available at the time of variant classification. Additional details can be found in publication PMID: 35346344, PMCID: PMC8962531